The following is an entry in ClinVar:

ClinVar aggregate classification (germline): Uncertain significance (1 of 4 stars; one submission).

Conditions:
Acrocallosal syndrome (ACLS). Also called: HALLUX DUPLICATION, POSTAXIAL POLYDACTYLY, AND ABSENCE OF CORPUS CALLOSUM; Schinzel syndrome 1; Absence of corpus callosum with unusual facial appearance, mental deficiency, duplication of the halluces and polydactyly. Identifiers: Orphanet 36, MedGen C0796147, MONDO:0008708, OMIM 200990.

Submission:

Labcorp Genetics (formerly Invitae), Labcorp
Classification: Uncertain significance for Acrocallosal syndrome. Last evaluated: 2022-08-16. Review status: criteria provided, single submitter. Criteria: Invitae Variant Classification Sherloc (09022015). Collection method: clinical testing. Allele origin: germline.
Comment: This variant is not present in population databases (gnomAD no frequency). This variant has not been reported in the literature in individuals affected with KIF7-related conditions. Algorithms developed to predict the effect of missense changes on protein structure and function are either unavailable or do not agree on the potential impact of this missense change (SIFT: "Deleterious"; PolyPhen-2: "Probably Damaging"; Align-GVGD: "Class C0"). In summary, the available evidence is currently insufficient to determine the role of this variant in disease. Therefore, it has been classified as a Variant of Uncertain Significance. This sequence change replaces leucine, which is neutral and non-polar, with valine, which is neutral and non-polar, at codon 136 of the KIF7 protein (p.Leu136Val).

NM_198525.3(KIF7):c.406C>G (p.Leu136Val)

Gene: KIF7 (kinesin family member 7; minus strand). Cytogenetic location: 15q26.1.
Variant type: single nucleotide variant.
Coding change: c.406C>G on transcript NM_198525.3 (MANE Select); coding-DNA position 406, C replaced by G.
Protein change: p.Leu136Val; replaces leucine 136 with valine.
Molecular consequence: missense variant.
Genome position (GRCh38, 1-based): chr15:89,649,864, G>C on the plus strand (C>G on the coding strand, the complement: KIF7 is on the minus strand). VCF-style: chr15-89649864-G-C. GRCh37 (hg19) VCF-style: chr15-90193095-G-C.
Other names: short protein forms L136V.
Identifiers: ClinVar variation 1915933 (VCV001915933.5), dbSNP rs2505502414, ClinGen allele CA393777207.
Genomic context (GRCh38, chr15:89,649,864, plus strand): 5'-GGTCTCGGAACTCCTCCTTGTACACTTCCAGGTAGGACACATGTACCAGACAGTCAAGCA[G>C]GTCGTTCTCATCGATGAGCTTGAAGGCCTCGGCCATGGCCCTCGGGACAATGCCCTGCTC-3'
Protein context (NP_940927.2, residues 126-146): EAFKLIDEND[Leu136Val]LDCLVHVSYL